The following is an entry in ClinVar:

ClinVar aggregate classification (germline): Pathogenic (1 of 4 stars; one submission).

Submission:

Labcorp Genetics (formerly Invitae), Labcorp
Classification: Pathogenic. Last evaluated: 2023-04-27. Review status: criteria provided, single submitter. Criteria: Invitae Variant Classification Sherloc (09022015). Collection method: clinical testing. Allele origin: unknown.
Comment: For these reasons, this variant has been classified as Pathogenic. This variant disrupts a region of the CFAP410 protein in which other variant(s) (Glu96Lys) have been determined to be pathogenic (PMID: 28005958; Invitae). This suggests that this is a clinically significant region of the protein, and that variants that disrupt it are likely to be disease-causing. Experimental studies and prediction algorithms are not available or were not evaluated, and the functional significance of this variant is currently unknown. This variant has not been reported in the literature in individuals affected with CFAP410-related conditions. This variant is a gross deletion of the genomic region encompassing exon(s) 2-7 of the CFAP410 gene, which includes the termination codon. This deletion extends beyond the assayed region for this gene and therefore may encompass additional genes. While this deletion is not anticipated to lead to nonsense mediated decay, it is expected to alter mRNA translation or result in a truncated protein product.

Literature cited by the submitters: PubMed 28005958.

NC_000021.8:g.(?_45750081)_(45757570_?)del

Gene: CFAP410 (cilia and flagella associated protein 410; minus strand). Cytogenetic location: 21q22.3.
Variant type: Deletion.
Identifiers: ClinVar variation 3248186 (VCV003248186.1).